The following is an entry in ClinVar:

NM_000264.5(PTCH1):c.1364dup (p.Thr456fs)

Gene: PTCH1 (patched 1; minus strand). Cytogenetic location: 9q22.32.
Variant type: Duplication.
Coding change: c.1364dup on transcript NM_000264.5 (MANE Select); coding-DNA position 1364, one base duplicated (T; older notation c.1364dupT).
Protein change: p.Thr456fs; shifts the reading frame from threonine 456.
Molecular consequence: frameshift variant. On other transcripts: non-coding transcript variant (1), intron variant (1).
Genome position (GRCh38, 1-based): chr9:95,477,686, A duplicated on the plus strand (T on the coding strand, the reverse complement: PTCH1 is on the minus strand). VCF-style (leftmost placement, unchanged base first): chr9-95477685-T-TA. GRCh37 (hg19) VCF-style: chr9-98239967-T-TA.
Other names: c.1166dup, p.Thr390fs (NM_001083602.3); c.1361dup, p.Thr455fs (NM_001083603.3); c.911dup, p.Thr305fs (NM_001083604.3, NM_001083605.3, NM_001083606.3 and 1 more transcripts); c.1347+369dup (NM_001354918.2); c.1364dupT (NM_000264.3); short protein forms T390fs, T456fs, T305fs, T455fs.
Identifiers: ClinVar variation 640853 (VCV000640853.9), dbSNP rs1588600929, ClinGen allele CA915947061.

ClinVar aggregate classification (germline): Pathogenic (1 of 4 stars; one submission).

Conditions:
Gorlin syndrome. Also called: Basal cell nevus syndrome; Nevoid Basal Cell Carcinoma Syndrome. Identifiers: Orphanet 377, MedGen C0004779, MONDO:0007187.

Submission:

Labcorp Genetics (formerly Invitae), Labcorp
Classification: Pathogenic for Gorlin syndrome. Last evaluated: 2018-07-31. Review status: criteria provided, single submitter. Criteria: Invitae Variant Classification Sherloc (09022015). Collection method: clinical testing. Allele origin: germline.
Comment: Loss-of-function variants in PTCH1 are known to be pathogenic (PMID: 16301862, 16419085). This sequence change creates a premature translational stop signal (p.Thr456Asnfs*41) in the PTCH1 gene. It is expected to result in an absent or disrupted protein product. This variant is not present in population databases (ExAC no frequency). This variant has been observed in individuals affected with nevoid basal cell carcinoma syndrome (PMID: 26997948, 27561271). For these reasons, this variant has been classified as Pathogenic.

Literature cited by the submitters: PubMed 16301862; PubMed 16419085; PubMed 26997948; PubMed 27561271.